The following is an entry in ClinVar:

NC_000005.9:g.(?_36958186)_(36962396_?)del

Gene: NIPBL (NIPBL cohesin loading factor; plus strand). Cytogenetic location: 5p13.2.
Variant type: Deletion.
Identifiers: ClinVar variation 1458583 (VCV001458583.4).

ClinVar aggregate classification (germline): Pathogenic (1 of 4 stars; one submission).

Conditions:
Cornelia de Lange syndrome 1 (CDLS1). Also called: Brachmann de Lange syndrome; NIPBL-Related Cornelia de Lange Syndrome; TYPUS DEGENERATIVUS AMSTELODAMENSIS. Identifiers: Orphanet 199, MedGen C4551851, MONDO:0007387, OMIM 122470.

Submission:

Labcorp Genetics (formerly Invitae), Labcorp
Classification: Pathogenic for Cornelia de Lange syndrome 1. Last evaluated: 2021-09-09. Review status: criteria provided, single submitter. Criteria: Invitae Variant Classification Sherloc (09022015). Collection method: clinical testing. Allele origin: germline.
Comment: For these reasons, this variant has been classified as Pathogenic. This variant has not been reported in the literature in individuals affected with NIPBL-related conditions. This variant is a gross deletion of the genomic region encompassing exon(s) 4-6 of the NIPBL gene. This deletion is out-of-frame, and is expected to create a premature termination codon and result in an absent or disrupted protein product. Loss-of-function variants in NIPBL are known to be pathogenic (PMID: 15318302, 19763162, 23505322, 29995837).

Literature cited by the submitters: PubMed 15318302; PubMed 19763162; PubMed 23505322; PubMed 29995837.